The following is an entry in ClinVar:

ClinVar aggregate classification (germline): Likely benign. Review status: criteria provided, multiple submitters, no conflicts (2 of 4 stars). 2 submissions from 2 submitters: Likely benign (2). Last evaluated 2024-04-03.

Conditions:
Seizures, benign familial infantile, 3 (BFIS3). Also called: Familial neonatal seizures; CONVULSIONS, BENIGN FAMILIAL INFANTILE, 3. Identifiers: Orphanet 140927, Orphanet 306, MedGen C1843140, MONDO:0011904, OMIM 607745.
Developmental and epileptic encephalopathy, 11 (DEE11). Also called: Early infantile epileptic encephalopathy 11. Identifiers: Orphanet 1934, MedGen C3150987, MONDO:0013388, OMIM 613721.

Allele frequency attached by ClinVar (database versions not stated): gnomAD 0.00001; gnomAD exomes 0.00001 and 0.00002; TOPMed 0.00003.
gnomAD v4.1: 27 of 1,613,876 alleles (0.0017%); highest among the groups gnomAD compares: Non-Finnish European, 0.0023%; no homozygotes.

Submissions (2):

Labcorp Genetics (formerly Invitae), Labcorp
Classification: Likely benign for Seizures, benign familial infantile, 3; Developmental and epileptic encephalopathy, 11. Last evaluated: 2024-04-03. Review status: criteria provided, single submitter. Criteria: Invitae Variant Classification Sherloc (09022015). Collection method: clinical testing. Allele origin: germline.

CeGaT Center for Human Genetics Tuebingen
Classification: Likely benign. Last evaluated: 2023-01-01. Review status: criteria provided, single submitter. Criteria: CeGaT Center For Human Genetics Tuebingen Variant Classification Criteria Version 2. Collection method: clinical testing. Allele origin: germline. Affected: yes. Observed: 1 variant allele.
Comment: SCN2A: BP4, BP7

NM_001040142.2(SCN2A):c.5658A>C (p.Ser1886=)

Gene: SCN2A (sodium voltage-gated channel alpha subunit 2; plus strand). Cytogenetic location: 2q24.3.
Variant type: single nucleotide variant.
Coding change: c.5658A>C on transcript NM_001040142.2 (MANE Select); coding-DNA position 5658, A replaced by C.
Protein change: p.Ser1886=; no amino-acid change (serine 1886 retained).
Molecular consequence: synonymous variant.
Genome position (GRCh38, 1-based): chr2:165,389,464, A>C. VCF-style: chr2-165389464-A-C. GRCh37 (hg19) VCF-style: chr2-166245974-A-C.
Other names: c.5658A>C, p.Ser1886= (NM_001040143.2, NM_001371246.1, NM_001371247.1 and 1 more transcripts).
Identifiers: ClinVar variation 1589917 (VCV001589917.37), dbSNP rs902710874, ClinGen allele CA59753048.